The following is an entry in ClinVar:

ClinVar aggregate classification (germline): Likely benign. Review status: criteria provided, multiple submitters, no conflicts (2 of 4 stars). 2 submissions from 2 submitters: Likely benign (2). Last evaluated 2025-01-09.

Conditions:
Hereditary nonpolyposis colorectal neoplasms. Identifiers: MedGen C0009405, MeSH D003123.
Lynch syndrome 5 (LYNCH5). Also called: Colorectal cancer, hereditary nonpolyposis, type 5; Hereditary non-polyposis colorectal cancer, type 5. Identifiers: Orphanet 144, MedGen C1833477, MONDO:0013710, OMIM 614350. Disease mechanism: loss of function.

Allele frequency attached by ClinVar (database versions not stated): gnomAD exomes below 0.00001; gnomAD 0.00001.
gnomAD v4.1: 2 of 1,473,568 alleles (0.00014%); highest among the groups gnomAD compares: Non-Finnish European, 0.00018%; no homozygotes.

Submissions (3):

Myriad Genetics, Inc.
Classification: Likely benign for Lynch syndrome 5. Last evaluated: 2025-01-09. Review status: criteria provided, single submitter. Criteria: Myriad Autosomal Dominant, Autosomal Recessive and X-Linked Classification Criteria (2023). Collection method: clinical testing. Allele origin: unknown.
Comment: This variant is considered likely benign. This variant is intronic and is not expected to impact mRNA splicing.

Labcorp Genetics (formerly Invitae), Labcorp
Classification: Likely benign for Hereditary nonpolyposis colorectal neoplasms. Last evaluated: 2024-03-16. Review status: criteria provided, single submitter. Criteria: Invitae Variant Classification Sherloc (09022015). Collection method: clinical testing. Allele origin: germline.

Dr. Peter K. Rogan Lab, Western University
No classification provided (evidence only). Condition: Thymoma. Review status: no classification provided. Collection method: in vitro. Allele origin: not applicable. Functional consequence: retained intron. Not counted in ClinVar's aggregate classification.

NM_000179.3(MSH6):c.4002-9A>C

Gene: MSH6 (mutS homolog 6; plus strand). Cytogenetic location: 2p16.3.
Variant type: single nucleotide variant.
Coding change: c.4002-9A>C on transcript NM_000179.3 (MANE Select); 9 bases into the intron before coding-DNA position 4002, A replaced by C.
Molecular consequence: intron variant.
Genome position (GRCh38, 1-based): chr2:47,806,770, A>C. VCF-style: chr2-47806770-A-C. GRCh37 (hg19) VCF-style: chr2-48033909-A-C.
Other names: c.3096-9A>C (NM_001281493.2, NM_001281494.2); c.3612-9A>C (NM_001281492.2).
Identifiers: ClinVar variation 1155462 (VCV001155462.11), dbSNP rs755141440, ClinGen allele CA1030297735.